The following is an entry in ClinVar:

ClinVar aggregate classification (germline): Uncertain significance (1 of 4 stars; one submission).

Allele frequency attached by ClinVar (database versions not stated): gnomAD exomes 0.00002 and 0.00004; ExAC 0.00003; ESP Exome Variant Server 0.00008; gnomAD 0.00019 and 0.00022; TOPMed 0.00024.

Submission:

GeneDx
Classification: Uncertain significance. Last evaluated: 2012-11-28. Review status: criteria provided, single submitter. Criteria: GeneDx Variant Classification (06012015). Collection method: clinical testing. Allele origin: germline. Affected: yes.
Comment: c.495+3 A>G: IVS3+3 A>G in intron 3 of the GYS2 gene (NM_021957.3). The c.495+3 A>G sequence change has not been published as a mutation, nor has it been reported as a benign polymorphism to our knowledge. In-silico splice prediction models predict that c.495+3 A>G damages the donor site in intron 3, which would be expected to result in abnormal gene splicing. However, the true effect of c.495+3 A>G on splicing in vivo is not known. Therefore, based on the currently available information, it is unclear whether c.495+3 A>G is a disease-causing mutation or a rare benign variant. The variant is found in MITONUC-MITOP panel(s).

NM_021957.4(GYS2):c.495+3A>G

Gene: GYS2 (glycogen synthase 2; minus strand). Cytogenetic location: 12p12.1.
Variant type: single nucleotide variant.
Coding change: c.495+3A>G on transcript NM_021957.4 (MANE Select); 3 bases into the intron after coding-DNA position 495, A replaced by G.
Molecular consequence: intron variant.
Genome position (GRCh38, 1-based): chr12:21,575,863, T>C on the plus strand (A>G on the coding strand, the complement: GYS2 is on the minus strand). VCF-style: chr12-21575863-T-C. GRCh37 (hg19) VCF-style: chr12-21728797-T-C.
Identifiers: ClinVar variation 214528 (VCV000214528.2), dbSNP rs368280374, ClinGen allele CA322365.